The following is an entry in ClinVar:

NM_198578.4(LRRK2):c.7013C>T (p.Thr2338Ile)

Gene: LRRK2 (leucine rich repeat kinase 2; plus strand). Cytogenetic location: 12q12.
Variant type: single nucleotide variant.
Coding change: c.7013C>T on transcript NM_198578.4 (MANE Select); coding-DNA position 7013, C replaced by T.
Protein change: p.Thr2338Ile; replaces threonine 2338 with isoleucine.
Molecular consequence: missense variant.
Genome position (GRCh38, 1-based): chr12:40,359,429, C>T. VCF-style: chr12-40359429-C-T. GRCh37 (hg19) VCF-style: chr12-40753231-C-T.
Other names: short protein forms T2338I.
Identifiers: ClinVar variation 3540652 (VCV003540652.1).
Genomic context (GRCh38, chr12:40,359,429, plus strand): 5'-GATGTGGCACAAAGATTTTCTCCTTTTCTAATGATTTCACCATTCAGAAACTCATTGAGA[C>T]AAGAACAAGCCAACTGTAAGTTATTTTTTATCTGTACAAGTAATTTATCATTATACTTTT-3'
Protein context (NP_940980.4, residues 2328-2348): NDFTIQKLIE[Thr2338Ile]RTSQLFSYAA

ClinVar aggregate classification (germline): Uncertain significance (1 of 4 stars; one submission).

Conditions:
Inborn genetic diseases. Identifiers: MedGen C0950123, MeSH D030342.

gnomAD v4.1: 1 of 1,612,968 alleles (0.000062%); highest among the groups gnomAD compares: Non-Finnish European, 0.000085%; no homozygotes.

Submission:

Ambry Genetics
Classification: Uncertain significance for Inborn genetic diseases. Last evaluated: 2024-09-01. Review status: criteria provided, single submitter. Criteria: Ambry Variant Classification Scheme 2023. Collection method: clinical testing. Allele origin: germline.
Comment: The p.T2338I variant (also known as c.7013C>T), located in coding exon 47 of the LRRK2 gene, results from a C to T substitution at nucleotide position 7013. The threonine at codon 2338 is replaced by isoleucine, an amino acid with similar properties. This amino acid position is conserved. In addition, this alteration is predicted to be tolerated by in silico analysis. Based on the available evidence, the clinical significance of this variant remains unclear.